The following is an entry in ClinVar:

ClinVar aggregate classification (germline): Uncertain significance (1 of 4 stars; one submission).

Conditions:
Hereditary cancer-predisposing syndrome. Also called: Neoplastic Syndromes, Hereditary; Hereditary Cancer Syndrome; Tumor predisposition; Hereditary neoplastic syndrome. Identifiers: Orphanet 140162, MedGen C0027672, MeSH D009386, MONDO:0015356.

Submission:

Ambry Genetics
Classification: Uncertain significance for Hereditary cancer-predisposing syndrome. Last evaluated: 2025-03-12. Review status: criteria provided, single submitter. Criteria: Ambry Variant Classification Scheme 2023. Collection method: clinical testing. Allele origin: germline.
Comment: The p.F1774V variant (also known as c.5320T>G) is located in coding exon 35 of the ATM gene. The phenylalanine at codon 1774 is replaced by valine, an amino acid with highly similar properties. This change occurs in the first base pair of coding exon 35. This amino acid position is conserved. In addition, this alteration is predicted to be tolerated by in silico analysis. Based on the available evidence, the clinical significance of this variant remains unclear.

NM_000051.4(ATM):c.5320T>G (p.Phe1774Val)

Gene: ATM (ATM serine/threonine kinase; plus strand). Cytogenetic location: 11q22.3.
Variant type: single nucleotide variant.
Coding change: c.5320T>G on transcript NM_000051.4 (MANE Select); coding-DNA position 5320, T replaced by G.
Protein change: p.Phe1774Val; replaces phenylalanine 1774 with valine.
Molecular consequence: missense variant.
Genome position (GRCh38, 1-based): chr11:108,302,853, T>G. VCF-style: chr11-108302853-T-G. GRCh37 (hg19) VCF-style: chr11-108173580-T-G.
Other names: c.5320T>G, p.Phe1774Val (NM_001351834.2); short protein forms F1774V.
Identifiers: ClinVar variation 3803211 (VCV003803211.1).